The following is an entry in ClinVar:

ClinVar aggregate classification (germline): Uncertain significance. Review status: criteria provided, multiple submitters, no conflicts (2 of 4 stars). 2 submissions from 2 submitters: Uncertain significance (2). Last evaluated 2025-08-13.

Conditions:
Hereditary cancer-predisposing syndrome. Also called: Tumor predisposition; Neoplastic Syndromes, Hereditary; Hereditary neoplastic syndrome; Hereditary Cancer Syndrome. Identifiers: Orphanet 140162, MedGen C0027672, MeSH D009386, MONDO:0015356.
Familial adenomatous polyposis 1 (FAP1). Also called: FAMILIAL ADENOMATOUS POLYPOSIS 1, ATTENUATED; POLYPOSIS, ADENOMATOUS INTESTINAL. Identifiers: MedGen C2713442, MONDO:0021056, OMIM 175100. Disease mechanism: loss of function.

Submissions (2):

Ambry Genetics
Classification: Uncertain significance for Hereditary cancer-predisposing syndrome. Last evaluated: 2025-08-13. Review status: criteria provided, single submitter. Criteria: Ambry Variant Classification Scheme 2023. Collection method: clinical testing. Allele origin: germline.
Comment: The p.L1004P variant (also known as c.3011T>C), located in coding exon 15 of the APC gene, results from a T to C substitution at nucleotide position 3011. The leucine at codon 1004 is replaced by proline, an amino acid with similar properties. This amino acid position is highly conserved in available vertebrate species. In addition, in silico predictors for this gene do not accurately predict pathogenicity. Missense alterations in APC are not a common cause of disease (Spier I et al. Genet Med. 2024 Feb;26(2):100992). Based on the available evidence, the clinical significance of this variant remains unclear.

Labcorp Genetics (formerly Invitae), Labcorp
Classification: Uncertain significance for Familial adenomatous polyposis 1. Last evaluated: 2021-11-14. Review status: criteria provided, single submitter. Criteria: Invitae Variant Classification Sherloc (09022015). Collection method: clinical testing. Allele origin: germline.
Comment: This sequence change replaces leucine, which is neutral and non-polar, with proline, which is neutral and non-polar, at codon 1004 of the APC protein (p.Leu1004Pro). In summary, the available evidence is currently insufficient to determine the role of this variant in disease. Therefore, it has been classified as a Variant of Uncertain Significance. This variant has not been reported in the literature in individuals affected with APC-related conditions. This variant is not present in population databases (gnomAD no frequency). Algorithms developed to predict the effect of missense changes on protein structure and function (SIFT, PolyPhen-2, Align-GVGD) all suggest that this variant is likely to be disruptive.

NM_000038.6(APC):c.3011T>C (p.Leu1004Pro)

Gene: APC (APC regulator of Wnt signaling pathway; plus strand). Cytogenetic location: 5q22.2.
Variant type: single nucleotide variant.
Coding change: c.3011T>C on transcript NM_000038.6 (MANE Select); coding-DNA position 3011, T replaced by C.
Protein change: p.Leu1004Pro; replaces leucine 1004 with proline.
Molecular consequence: missense variant.
Genome position (GRCh38, 1-based): chr5:112,838,605, T>C. VCF-style: chr5-112838605-T-C. GRCh37 (hg19) VCF-style: chr5-112174302-T-C.
Other names: c.3011T>C, p.Leu1004Pro (NM_001127510.3, NM_001354895.2); c.2957T>C, p.Leu986Pro (NM_001127511.3); c.3065T>C, p.Leu1022Pro (NM_001354896.2); c.3041T>C, p.Leu1014Pro (NM_001354897.2); c.2936T>C, p.Leu979Pro (NM_001354898.2); c.2927T>C, p.Leu976Pro (NM_001354899.2); c.2888T>C, p.Leu963Pro (NM_001354900.2); c.2834T>C, p.Leu945Pro (NM_001354901.2); and 5 more; short protein forms L1004P, L963P, L986P, L1014P, L721P, L844P, L903P, L1022P.
Identifiers: ClinVar variation 1517880 (VCV001517880.9), dbSNP rs2149882263, ClinGen allele CA16027919.